The following is an entry in ClinVar:

NM_006914.4(RORB):c.646G>A (p.Ala216Thr)

Gene: RORB (RAR related orphan receptor B; plus strand). Cytogenetic location: 9q21.13.
Variant type: single nucleotide variant.
Coding change: c.646G>A on transcript NM_006914.4 (MANE Select); coding-DNA position 646, G replaced by A.
Protein change: p.Ala216Thr; replaces alanine 216 with threonine.
Molecular consequence: missense variant.
Genome position (GRCh38, 1-based): chr9:74,660,625, G>A. VCF-style: chr9-74660625-G-A. GRCh37 (hg19) VCF-style: chr9-77275541-G-A.
Other names: c.679G>A, p.Ala227Thr (NM_001365023.1); short protein forms A216T, A227T.
Identifiers: ClinVar variation 2006049 (VCV002006049.4), dbSNP rs1226980407, ClinGen allele CA373770359.

ClinVar aggregate classification (germline): Uncertain significance (1 of 4 stars; one submission).

Allele frequency attached by ClinVar (database versions not stated): gnomAD exomes below 0.00001; TOPMed below 0.00001; gnomAD 0.00001.
gnomAD v4.1: 2 of 1,611,000 alleles (0.00012%); highest among the groups gnomAD compares: African/African-American, 0.0013%; no homozygotes.

Submission:

Labcorp Genetics (formerly Invitae), Labcorp
Classification: Uncertain significance. Last evaluated: 2022-06-14. Review status: criteria provided, single submitter. Criteria: Invitae Variant Classification Sherloc (09022015). Collection method: clinical testing. Allele origin: germline.
Comment: This sequence change replaces alanine, which is neutral and non-polar, with threonine, which is neutral and polar, at codon 216 of the RORB protein (p.Ala216Thr). This variant is present in population databases (no rsID available, gnomAD 0.01%). This variant has not been reported in the literature in individuals affected with RORB-related conditions. Algorithms developed to predict the effect of missense changes on protein structure and function (SIFT, PolyPhen-2, Align-GVGD) all suggest that this variant is likely to be tolerated. In summary, the available evidence is currently insufficient to determine the role of this variant in disease. Therefore, it has been classified as a Variant of Uncertain Significance.